The following is an entry in ClinVar:

NM_003743.5(NCOA1):c.2627T>C (p.Ile876Thr)

Gene: NCOA1 (nuclear receptor coactivator 1; plus strand). Cytogenetic location: 2p23.3.
Variant type: single nucleotide variant.
Coding change: c.2627T>C on transcript NM_003743.5 (MANE Select); coding-DNA position 2627, T replaced by C.
Protein change: p.Ile876Thr; replaces isoleucine 876 with threonine.
Molecular consequence: missense variant.
Genome position (GRCh38, 1-based): chr2:24,726,616, T>C. VCF-style: chr2-24726616-T-C. GRCh37 (hg19) VCF-style: chr2-24949485-T-C.
Other names: c.2627T>C, p.Ile876Thr (NM_001362950.1, NM_001362952.1, NM_001362954.1 and 3 more transcripts); short protein forms I876T.
Identifiers: ClinVar variation 2594621 (VCV002594621.4), dbSNP rs138104918, ClinGen allele CA1552454.

ClinVar aggregate classification (germline): Uncertain significance. Review status: criteria provided, single submitter (1 of 4 stars). 2 submissions from 2 submitters: Uncertain significance (1). 1 of the submissions does not count toward it. Last evaluated 2023-06-21.

Conditions:
NCOA1-related disorder. Also called: NCOA1-related condition.

Allele frequency attached by ClinVar (database versions not stated): gnomAD exomes 0.00002; ExAC 0.00004; ESP Exome Variant Server 0.00008; gnomAD 0.00014; TOPMed 0.00014; 1000 Genomes Project 0.00020; 1000 Genomes Project 30x 0.00031.
gnomAD v4.1: 58 of 1,610,276 alleles (0.0036%); highest among the groups gnomAD compares: African/African-American, 0.051%; no homozygotes.

Submissions (2):

Ambry Genetics
Classification: Uncertain significance. Last evaluated: 2023-06-21. Review status: criteria provided, single submitter. Criteria: Ambry Variant Classification Scheme 2023. Collection method: clinical testing. Allele origin: germline.

PreventionGenetics, part of Exact Sciences
Classification: Uncertain significance for NCOA1-related condition. Last evaluated: 2024-04-02. Review status: no assertion criteria provided. Collection method: clinical testing. Allele origin: germline. Not counted in ClinVar's aggregate classification.
Comment: The NCOA1 c.2627T>C variant is predicted to result in the amino acid substitution p.Ile876Thr. To our knowledge, this variant has not been reported in the literature. This variant is reported in 0.049% of alleles in individuals of African descent in gnomAD. At this time, the clinical significance of this variant is uncertain due to the absence of conclusive functional and genetic evidence.